The following is an entry in ClinVar:

NM_007294.4(BRCA1):c.3113A>G (p.Glu1038Gly)

Gene: BRCA1 (BRCA1 DNA repair associated; minus strand). Cytogenetic location: 17q21.31.
Variant type: single nucleotide variant.
Coding change: c.3113A>G on transcript NM_007294.4 (MANE Select); coding-DNA position 3113, A replaced by G.
Protein change: p.Glu1038Gly; replaces glutamic acid 1038 with glycine.
Molecular consequence: missense variant. On other transcripts: intron variant (137).
Genome position (GRCh38, 1-based): chr17:43,092,418, T>C on the plus strand (A>G on the coding strand, the complement: BRCA1 is on the minus strand). VCF-style: chr17-43092418-T-C. GRCh37 (hg19) VCF-style: chr17-41244435-T-C.
Other names: 3232A>G; c.2900A>G, p.Glu967Gly (NM_001407571.1, NM_001407897.1, NM_001407898.1 and 9 more transcripts); c.3113A>G, p.Glu1038Gly (NM_001407581.1, NM_001407582.1, NM_001407583.1 and 30 more transcripts); c.3110A>G, p.Glu1037Gly (NM_001407587.1, NM_001407610.1, NM_001407611.1 and 22 more transcripts); c.3104A>G, p.Glu1035Gly (NM_001407646.1, NM_001407647.1); c.2990A>G, p.Glu997Gly (NM_001407648.1, NM_001407664.1, NM_001407665.1 and 19 more transcripts); c.2987A>G, p.Glu996Gly (NM_001407649.1, NM_001407670.1, NM_001407671.1 and 11 more transcripts); c.3035A>G, p.Glu1012Gly (NM_001407653.1, NM_001407654.1, NM_001407655.1 and 4 more transcripts); and 42 more; short protein forms E1038G, E991G, E1012G, E742G, E870G, E927G, E971G, E996G.
Identifiers: ClinVar variation 41815 (VCV000041815.96), dbSNP rs16941, ClinGen allele CA002036.

ClinVar aggregate classification (germline): Benign. Review status: reviewed by expert panel (3 of 4 stars). 41 submissions from 41 submitters: Benign (1). 40 of the submissions do not count toward it. Last evaluated 2015-08-10.
ClinVar aggregate classification (somatic clinical impact): Tier IV - Benign/Likely benign (0 of 4 stars; one submission).

Conditions:
BRCA1-related cancer predisposition. Identifiers: MedGen CN377757, MONDO:0700268.
Breast-ovarian cancer, familial, susceptibility to, 1 (BROVCA1). Also called: BRCA1 Hereditary Breast and Ovarian Cancer; OVARIAN CANCER, SUSCEPTIBILITY TO. Identifiers: Orphanet 145, MedGen C2676676, MONDO:0011450, OMIM 604370. Disease mechanism: loss of function.
Fanconi anemia, complementation group S (FANCS). Identifiers: MedGen C4554406, MONDO:0054748, OMIM 617883.
Pancreatic cancer, susceptibility to, 4. Identifiers: Orphanet 1333, MedGen C3280442, MONDO:0013685, OMIM 614320.
Familial cancer of breast. Also called: Hereditary breast cancer; BREAST CANCER, FAMILIAL; hereditary breast carcinoma. Identifiers: Orphanet 227535, MedGen C0346153, MONDO:0016419, OMIM 114480. Disease mechanism: loss of function.
Hereditary cancer-predisposing syndrome. Also called: Neoplastic Syndromes, Hereditary; Tumor predisposition; Hereditary Cancer Syndrome; Hereditary neoplastic syndrome. Identifiers: Orphanet 140162, MedGen C0027672, MeSH D009386, MONDO:0015356.
Hereditary breast ovarian cancer syndrome. Also called: Hereditary breast and ovarian cancer; Hereditary breast and ovarian cancer syndrome; Hereditary breast and ovarian cancer syndrome (HBOC); Hereditary breast and/or ovarian cancer syndrome; Breast and ovarian cancer; BRCA1- and BRCA2-Associated Hereditary Breast and Ovarian Cancer. Identifiers: Orphanet 145, MedGen C0677776, MeSH D061325, MONDO:0003582. Disease mechanism: loss of function.
Malignant tumor of breast. Also called: Malignant breast neoplasm; Cancer breast. Identifiers: MedGen C0006142, MONDO:0007254. Disease mechanism: loss of function.
Breast carcinoma. Also called: Carcinoma of breast. Identifiers: MedGen C0678222, MONDO:0004989, HP:0003002.

Allele frequency attached by ClinVar (database versions not stated): 1000 Genomes Project 30x 0.32964; 1000 Genomes Project 0.33566; ESP Exome Variant Server 0.27903; gnomAD 0.29985 and 0.29115; TOPMed 0.28327; ExAC 0.34287; gnomAD exomes 0.34827.
gnomAD v4.1: 538,509 of 1,613,370 alleles (33%); highest among the groups gnomAD compares: South Asian, 50%; 92,638 homozygotes.

Submissions 1 to 17 of 42:

Evidence-based Network for the Interpretation of Germline Mutant Alleles (ENIGMA)
Classification: Benign for Breast-ovarian cancer, familial 1. Last evaluated: 2015-08-10. Review status: reviewed by expert panel. Criteria: ENIGMA BRCA1/2 Classification Criteria (2015). Collection method: curation. Allele origin: germline.
Comment: IARC class based on posterior probability from multifactorial likelihood analysis, thresholds for class as per Plon et al. 2008 (PMID: 18951446). Class 1 based on posterior probability = 0.00000000000204. Also class 1 based on frequency >1% in an outbred sampleset. Frequency 0.3304 (Asian), 0.128 (African), 0.3575 (European), derived from 1000 genomes (2012-04-30).

Labcorp Genetics (formerly Invitae), Labcorp
Classification: Benign for Hereditary breast ovarian cancer syndrome. Last evaluated: 2026-02-04. Review status: criteria provided, single submitter. Criteria: Invitae Variant Classification Sherloc (09022015). Collection method: clinical testing. Allele origin: germline. Not counted in ClinVar's aggregate classification.

ARUP Laboratories, Molecular Genetics and Genomics, ARUP Laboratories
Classification: Benign. Last evaluated: 2025-07-31. Review status: criteria provided, single submitter. Criteria: ARUP Molecular Germline Variant Investigation Process 2024. Collection method: clinical testing. Allele origin: germline. Not counted in ClinVar's aggregate classification.

Quest Diagnostics Nichols Institute San Juan Capistrano
Classification: Benign. Last evaluated: 2025-04-02. Review status: criteria provided, single submitter. Criteria: Quest Diagnostics criteria. Collection method: clinical testing. Allele origin: unknown. Not counted in ClinVar's aggregate classification.

Blueprint Genetics
Classification: Benign. Last evaluated: 2024-11-28. Review status: criteria provided, single submitter. Criteria: ACMG Guidelines, 2015. Collection method: clinical testing. Allele origin: germline. Not counted in ClinVar's aggregate classification.

All of Us Research Program, National Institutes of Health
Classification: Benign for BRCA1-related cancer predisposition. Last evaluated: 2024-10-03. Review status: criteria provided, single submitter. Criteria: ACMG Guidelines, 2015. Collection method: clinical testing. Allele origin: germline. Inheritance: Autosomal dominant inheritance. Observed: 76,133 variant alleles, 61,061 heterozygotes, 15,053 homozygotes, 19 hemizygotes. Not counted in ClinVar's aggregate classification.
Comment: This study involves interpretation of variants in research participants for the purpose of population health screening. Participant phenotype was not available at the time of variant classification. Additional details can be found in publication PMID: 35346344, PMCID: PMC8962531

KCCC/NGS Laboratory, Kuwait Cancer Control Center
Classification: Benign for Breast-ovarian cancer, familial, susceptibility to, 1. Last evaluated: 2023-07-07. Review status: criteria provided, single submitter. Criteria: ACMG Guidelines, 2015. Collection method: clinical testing. Allele origin: germline. Affected: yes. Not counted in ClinVar's aggregate classification.

Fulgent Genetics
Classification: Benign for Familial cancer of breast; Breast-ovarian cancer, familial, susceptibility to, 1; Pancreatic cancer, susceptibility to, 4; Fanconi anemia, complementation group S. Last evaluated: 2022-05-06. Review status: criteria provided, single submitter. Criteria: ACMG Guidelines, 2015. Collection method: clinical testing. Allele origin: unknown. Not counted in ClinVar's aggregate classification.

National Health Laboratory Service, Universitas Academic Hospital and University of the Free State
Classification: Benign for Hereditary breast ovarian cancer syndrome. Last evaluated: 2022-04-19. Review status: criteria provided, single submitter. Criteria: ACMG Guidelines, 2015. Collection method: clinical testing. Allele origin: germline. Affected: yes. Observed: 559 variant alleles. Not counted in ClinVar's aggregate classification.

Genetics Program, Instituto Nacional de Cancer
Classification: Benign for Hereditary breast ovarian cancer syndrome. Last evaluated: 2021-11-01. Review status: criteria provided, single submitter. Criteria: ACMG Guidelines, 2015. Collection method: research. Allele origin: germline. Affected: yes. Not counted in ClinVar's aggregate classification.

Genomic Research Center, Shahid Beheshti University of Medical Sciences
Classification: Benign for Familial cancer of breast. Last evaluated: 2020-05-03. Review status: criteria provided, single submitter. Criteria: ACMG Guidelines, 2015. Collection method: clinical testing. Allele origin: unknown. Affected: yes. Not counted in ClinVar's aggregate classification.

Sema4
Classification: Benign for Hereditary cancer-predisposing syndrome. Last evaluated: 2019-12-11. Review status: criteria provided, single submitter. Criteria: Sema4 Curation Guidelines. Collection method: curation. Allele origin: germline. Not counted in ClinVar's aggregate classification.

Center for Medical Genomics, Faculty of Medicine, Ramathibodi Hospital, Mahidol University
Classification: Benign for Breast carcinoma. Last evaluated: 2019-04-22. Review status: criteria provided, single submitter. Criteria: ACMG Guidelines, 2015. Collection method: clinical testing. Allele origin: germline. Affected: yes. Not counted in ClinVar's aggregate classification.

Illumina Laboratory Services, Illumina
Classification: Benign for Breast-ovarian cancer, familial, susceptibility to, 1. Last evaluated: 2018-03-06. Review status: criteria provided, single submitter. Criteria: ICSL Variant Classification Criteria 13 December 2019. Collection method: clinical testing. Allele origin: germline. Not counted in ClinVar's aggregate classification.
Comment: This variant was observed in the ICSL laboratory as part of a predisposition screen in an ostensibly healthy population. It had not been previously curated by ICSL or reported in the Human Gene Mutation Database (HGMD: prior to June 1st, 2018), and was therefore a candidate for classification through an automated scoring system. Utilizing variant allele frequency, disease prevalence and penetrance estimates, and inheritance mode, an automated score was calculated to assess if this variant is too frequent to cause the disease. Based on the score and internal cut-off values, a variant classified as benign is not then subjected to further curation. The score for this variant resulted in a classification of benign for this disease.

GeneKor MSA
Classification: Benign. Last evaluated: 2017-11-01. Review status: criteria provided, single submitter. Criteria: ACMG Guidelines, 2015. Collection method: clinical testing. Allele origin: germline. Affected: yes. Not counted in ClinVar's aggregate classification.

Cancer Genetics and Genomics Laboratory, British Columbia Cancer Agency
Classification: Benign. Last evaluated: 2017-04-18. Review status: criteria provided, single submitter. Criteria: ACMG Guidelines, 2015. Collection method: clinical testing. Allele origin: germline. Study: The Canadian Open Genetics Repository (COGR). Not counted in ClinVar's aggregate classification.

Baylor Genetics
Classification: Benign for Familial cancer of breast. Last evaluated: 2017-02-23. Review status: criteria provided, single submitter. Criteria: ACMG Guidelines, 2015. Collection method: clinical testing. Allele origin: germline. Inheritance: Autosomal dominant inheritance. Affected: no. Not counted in ClinVar's aggregate classification.